The following is an entry in ClinVar:

ClinVar aggregate classification (germline): Uncertain significance. Review status: criteria provided, multiple submitters, no conflicts (2 of 4 stars). 2 submissions from 2 submitters: Uncertain significance (2). Last evaluated 2024-09-13.

Allele frequency attached by ClinVar (database versions not stated): gnomAD 0.00004 and 0.00003; ExAC 0.00002; gnomAD exomes 0.00004 and 0.00002; TOPMed 0.00002.
gnomAD v4.1: 64 of 1,593,934 alleles (0.004%); highest among the groups gnomAD compares: Non-Finnish European, 0.0053%; no homozygotes.

Submissions (2):

Blueprint Genetics
Classification: Uncertain significance. Last evaluated: 2024-09-13. Review status: criteria provided, single submitter. Criteria: ACMG Guidelines, 2015. Collection method: clinical testing. Allele origin: germline.

Labcorp Genetics (formerly Invitae), Labcorp
Classification: Uncertain significance. Last evaluated: 2023-08-20. Review status: criteria provided, single submitter. Criteria: Invitae Variant Classification Sherloc (09022015). Collection method: clinical testing. Allele origin: germline.
Comment: This sequence change replaces threonine, which is neutral and polar, with methionine, which is neutral and non-polar, at codon 853 of the MTHFD1 protein (p.Thr853Met). This variant is present in population databases (rs201204855, gnomAD 0.004%). This variant has not been reported in the literature in individuals affected with MTHFD1-related conditions. ClinVar contains an entry for this variant (Variation ID: 1425017). Advanced modeling of protein sequence and biophysical properties (such as structural, functional, and spatial information, amino acid conservation, physicochemical variation, residue mobility, and thermodynamic stability) performed at Invitae indicates that this missense variant is not expected to disrupt MTHFD1 protein function. In summary, the available evidence is currently insufficient to determine the role of this variant in disease. Therefore, it has been classified as a Variant of Uncertain Significance.

NM_005956.4(MTHFD1):c.2558C>T (p.Thr853Met)

Genes: MTHFD1 (methylenetetrahydrofolate dehydrogenase, cyclohydrolase and formyltetrahydrofolate synthetase 1; plus strand), ZBTB25 (zinc finger and BTB domain containing 25; minus strand). Cytogenetic location: 14q23.3.
Variant type: single nucleotide variant.
Coding change: c.2558C>T on transcript NM_005956.4 (MANE Select); coding-DNA position 2558, C replaced by T.
Protein change: p.Thr853Met; replaces threonine 853 with methionine.
Molecular consequence: missense variant. On other transcripts: intron variant (1).
Genome position (GRCh38, 1-based): chr14:64,453,854, C>T. VCF-style: chr14-64453854-C-T. GRCh37 (hg19) VCF-style: chr14-64920572-C-T.
Other names: c.2558C>T, p.Thr853Met (NM_001364837.1); c.174-4216G>A (NM_001304508.1); short protein forms T853M.
Identifiers: ClinVar variation 1425017 (VCV001425017.6), dbSNP rs201204855, ClinGen allele CA7226631.